The following is an entry in ClinVar:

ClinVar aggregate classification (germline): Uncertain significance. Review status: criteria provided, multiple submitters, no conflicts (2 of 4 stars). 2 submissions from 2 submitters: Uncertain significance (2). Last evaluated 2025-08-23.

Conditions:
Inborn genetic diseases. Identifiers: MedGen C0950123, MeSH D030342.

Allele frequency attached by ClinVar (database versions not stated): gnomAD exomes 0.00001 and 0.00004; gnomAD 0.00002.
gnomAD v4.1: 55 of 1,612,848 alleles (0.0034%); highest among the groups gnomAD compares: Non-Finnish European, 0.0034%; no homozygotes.

Submissions (2):

Labcorp Genetics (formerly Invitae), Labcorp
Classification: Uncertain significance. Last evaluated: 2025-08-23. Review status: criteria provided, single submitter. Criteria: Invitae Variant Classification Sherloc (09022015). Collection method: clinical testing. Allele origin: germline.
Comment: This sequence change replaces arginine, which is basic and polar, with glutamine, which is neutral and polar, at codon 193 of the CFB protein (p.Arg193Gln). This variant is present in population databases (no rsID available, gnomAD 0.01%). This variant has not been reported in the literature in individuals affected with CFB-related conditions. ClinVar contains an entry for this variant (Variation ID: 1348324). Invitae Evidence Modeling of protein sequence and biophysical properties (such as structural, functional, and spatial information, amino acid conservation, physicochemical variation, residue mobility, and thermodynamic stability) indicates that this missense variant is not expected to disrupt CFB protein function with a negative predictive value of 80%. In summary, the available evidence is currently insufficient to determine the role of this variant in disease. Therefore, it has been classified as a Variant of Uncertain Significance.

Ambry Genetics
Classification: Uncertain significance for Inborn genetic diseases. Last evaluated: 2024-12-07. Review status: criteria provided, single submitter. Criteria: Ambry Variant Classification Scheme 2023. Collection method: clinical testing. Allele origin: germline.

NM_001710.6(CFB):c.578G>A (p.Arg193Gln)

Gene: CFB (complement factor B; plus strand). Cytogenetic location: 6p21.33.
Variant type: single nucleotide variant.
Coding change: c.578G>A on transcript NM_001710.6 (MANE Select); coding-DNA position 578, G replaced by A.
Protein change: p.Arg193Gln; replaces arginine 193 with glutamine.
Molecular consequence: missense variant.
Genome position (GRCh38, 1-based): chr6:31,947,441, G>A. VCF-style: chr6-31947441-G-A. GRCh37 (hg19) VCF-style: chr6-31915218-G-A.
Other names: c.578G>A (NM_001710.5); short protein forms R193Q.
Identifiers: ClinVar variation 1348324 (VCV001348324.9), dbSNP rs1440561932, ClinGen allele CA363393142.